The following is an entry in ClinVar:

ClinVar aggregate classification (germline): Uncertain significance. Review status: criteria provided, single submitter (1 of 4 stars). 2 submissions from 2 submitters: Uncertain significance (1). 1 of the submissions does not count toward it. Last evaluated 2025-02-15.

Conditions:
COL9A3-related disorder. Also called: COL9A3-related condition.

Submissions (2):

Labcorp Genetics (formerly Invitae), Labcorp
Classification: Uncertain significance. Last evaluated: 2025-02-15. Review status: criteria provided, single submitter. Criteria: Invitae Variant Classification Sherloc (09022015). Collection method: clinical testing. Allele origin: germline.
Comment: This variant, c.1521_1547del, results in the deletion of 9 amino acid(s) of the COL9A3 protein (p.Gly508_Pro516del), but otherwise preserves the integrity of the reading frame. This variant is present in population databases (rs750587189, gnomAD 0.02%). This variant has not been reported in the literature in individuals affected with COL9A3-related conditions. ClinVar contains an entry for this variant (Variation ID: 1445339). Experimental studies and prediction algorithms are not available or were not evaluated, and the functional significance of this variant is currently unknown. In summary, the available evidence is currently insufficient to determine the role of this variant in disease. Therefore, it has been classified as a Variant of Uncertain Significance.

PreventionGenetics, part of Exact Sciences
Classification: Uncertain significance for COL9A3-related condition. Last evaluated: 2024-07-25. Review status: no assertion criteria provided. Collection method: clinical testing. Allele origin: germline. Not counted in ClinVar's aggregate classification.
Comment: The COL9A3 c.1521_1547del27 variant is predicted to result in an in-frame deletion (p.Ile509_Gly517del). To our knowledge, this variant has not been reported in the literature. This variant is reported in 0.016% of alleles in individuals of African descent in gnomAD. This variant is located within one of the triple helical domains of the COL9A3 protein, where glycine substitutions are a known mechanism of disease. However, this variant is not a glycine substitution, but rather an in-frame deletion. Therefore, at this time, the clinical significance of this variant is uncertain due to the absence of conclusive functional and genetic evidence.

NM_001853.4(COL9A3):c.1521_1547del (p.Ile509_Gly517del)

Genes: COL9A3 (collagen type IX alpha 3 chain; plus strand), LOC126863084 (MED14-independent group 3 enhancer GRCh37_chr20:61467141-61468340; plus strand). Cytogenetic location: 20q13.33.
Variant type: Deletion.
Coding change: c.1521_1547del on transcript NM_001853.4 (MANE Select); coding-DNA positions 1521 to 1547, 27 bases deleted (TGGCATCACGGGGAAGCCGGGAGTTCC).
Protein change: p.Ile509_Gly517del.
Molecular consequence: inframe deletion.
Genome position (GRCh38, 1-based): chr20:62,836,306-62,836,332, TGGCATCACGGGGAAGCCGGGAGTTCC deleted; deleting any 27 consecutive bases within chr20:62,836,301-62,836,332 gives the same sequence; the c. name uses the placement nearest the transcript's 3' end. VCF-style (leftmost placement, unchanged base first): chr20-62836300-TGTTCCTGGCATCACGGGGAAGCCGGGA-T. GRCh37 (hg19) VCF-style: chr20-61467652-TGTTCCTGGCATCACGGGGAAGCCGGGA-T.
Other names: c.1521_1547del27 (NM_001853.3).
Identifiers: ClinVar variation 1445339 (VCV001445339.7), dbSNP rs750587189, ClinGen allele CA9950008.